The following is an entry in ClinVar:

ClinVar aggregate classification (germline): Pathogenic. Review status: criteria provided, multiple submitters, no conflicts (2 of 4 stars). 2 submissions from 2 submitters: Pathogenic (2). Last evaluated 2025-05-14.

Conditions:
Hereditary cancer-predisposing syndrome. Also called: Neoplastic Syndromes, Hereditary; Tumor predisposition; Hereditary Cancer Syndrome; Hereditary neoplastic syndrome. Identifiers: Orphanet 140162, MedGen C0027672, MeSH D009386, MONDO:0015356.
Familial cancer of breast. Also called: hereditary breast carcinoma; BREAST CANCER, FAMILIAL; Hereditary breast cancer. Identifiers: Orphanet 227535, MedGen C0346153, MONDO:0016419, OMIM 114480. Disease mechanism: loss of function.

Submissions (2):

Ambry Genetics
Classification: Pathogenic for Hereditary cancer-predisposing syndrome. Last evaluated: 2025-05-14. Review status: criteria provided, single submitter. Criteria: Ambry Variant Classification Scheme 2023. Collection method: clinical testing. Allele origin: germline.
Comment: The c.1271delA pathogenic mutation, located in coding exon 11 of the CHEK2 gene, results from a deletion of one nucleotide at nucleotide position 1271, causing a translational frameshift with a predicted alternate stop codon (p.Y424Ffs*13). This variant is considered to be rare based on population cohorts in the Genome Aggregation Database (gnomAD). This alteration is expected to result in loss of function by premature protein truncation or nonsense-mediated mRNA decay. As such, this alteration is interpreted as a disease-causing mutation.

Myriad Genetics, Inc.
Classification: Pathogenic for Familial cancer of breast. Last evaluated: 2023-06-28. Review status: criteria provided, single submitter. Criteria: Myriad Autosomal Dominant, Autosomal Recessive and X-Linked Classification Criteria (2023). Collection method: clinical testing. Allele origin: unknown.
Comment: This variant is considered pathogenic. This variant creates a frameshift predicted to result in premature protein truncation.

NM_007194.4(CHEK2):c.1271del (p.Tyr424fs)

Gene: CHEK2 (checkpoint kinase 2; minus strand). Cytogenetic location: 22q12.1.
Variant type: Deletion.
Coding change: c.1271del on transcript NM_007194.4 (MANE Select); coding-DNA position 1271, one base deleted (A; older notation c.1271delA).
Protein change: p.Tyr424fs; shifts the reading frame from tyrosine 424.
Molecular consequence: frameshift variant.
Genome position (GRCh38, 1-based): chr22:28,695,231, T deleted on the plus strand (A on the coding strand, the reverse complement: CHEK2 is on the minus strand). VCF-style (leftmost placement, unchanged base first): chr22-28695230-AT-A. GRCh37 (hg19) VCF-style: chr22-29091218-AT-A.
Other names: c.1400delA, p.Tyr467Phefs (NM_001005735.3); c.608delA, p.Tyr203Phefs (NM_001257387.3); c.1070delA, p.Tyr357Phefs (NM_001349956.3); c.1184delA, p.Tyr395Phefs (NM_145862.3); short protein forms Y203fs, Y357fs, Y424fs, Y395fs, Y467fs.
Identifiers: ClinVar variation 1765574 (VCV001765574.5), dbSNP rs2517798392, ClinGen allele CA2580099439.